The following is an entry in ClinVar:

NM_006939.4(SOS2):c.2704G>C (p.Ala902Pro)

Gene: SOS2 (SOS Ras/Rho guanine nucleotide exchange factor 2; minus strand). Cytogenetic location: 14q21.3.
Variant type: single nucleotide variant.
Coding change: c.2704G>C on transcript NM_006939.4 (MANE Select); coding-DNA position 2704, G replaced by C.
Protein change: p.Ala902Pro; replaces alanine 902 with proline.
Molecular consequence: missense variant.
Genome position (GRCh38, 1-based): chr14:50,140,023, C>G on the plus strand (G>C on the coding strand, the complement: SOS2 is on the minus strand). VCF-style: chr14-50140023-C-G. GRCh37 (hg19) VCF-style: chr14-50606741-C-G.
Other names: c.2605G>C, p.Ala869Pro (NM_001411020.1); short protein forms A869P, A902P.
Identifiers: ClinVar variation 3359622 (VCV003359622.1).

ClinVar aggregate classification (germline): Uncertain significance (1 of 4 stars; one submission).

Submission:

GeneDx
Classification: Uncertain significance. Last evaluated: 2023-06-08. Review status: criteria provided, single submitter. Criteria: GeneDx Variant Classification Process June 2021. Collection method: clinical testing. Allele origin: germline. Affected: yes.
Comment: Not observed at significant frequency in large population cohorts (gnomAD); In silico analysis supports that this missense variant has a deleterious effect on protein structure/function; Has not been previously published as pathogenic or benign to our knowledge